The following is an entry in ClinVar:

NM_021120.4(DLG3):c.1884G>C (p.Arg628Ser)

Gene: DLG3 (discs large MAGUK scaffold protein 3; plus strand). Cytogenetic location: Xq13.1.
Variant type: single nucleotide variant.
Coding change: c.1884G>C on transcript NM_021120.4 (MANE Select); coding-DNA position 1884, G replaced by C.
Protein change: p.Arg628Ser; replaces arginine 628 with serine.
Molecular consequence: missense variant.
Genome position (GRCh38, 1-based): chrX:70,499,189, G>C. VCF-style: chrX-70499189-G-C. GRCh37 (hg19) VCF-style: chrX-69719039-G-C.
Other names: c.531G>C, p.Arg177Ser (NM_001166278.2); c.969G>C, p.Arg323Ser (NM_020730.3); short protein forms R177S, R323S, R628S.
Identifiers: ClinVar variation 4540260 (VCV004540260.1).

ClinVar aggregate classification (germline): Uncertain significance (1 of 4 stars; one submission).

Submission:

GeneDx
Classification: Uncertain significance. Last evaluated: 2025-06-26. Review status: criteria provided, single submitter. Criteria: GeneDx Variant Classification Process June 2021. Collection method: clinical testing. Allele origin: germline. Affected: yes.
Comment: Not observed at significant frequency in large population cohorts (gnomAD); In silico analysis supports that this missense variant has a deleterious effect on protein structure/function; Has not been previously published as pathogenic or benign to our knowledge